The following is an entry in ClinVar:

ClinVar aggregate classification (germline): Uncertain significance (1 of 4 stars; one submission).

Submission:

Ambry Genetics
Classification: Uncertain significance. Last evaluated: 2024-06-10. Review status: criteria provided, single submitter. Criteria: Ambry Variant Classification Scheme 2023. Collection method: clinical testing. Allele origin: germline.
Comment: The c.3036G>A variant (also known as p.L1012L), located in coding exon 27 of the KIF1B gene, results from a G to A substitution at nucleotide position 3036. This nucleotide substitution does not change the leucine at codon 1012. This nucleotide position is well conserved in available vertebrate species. In silico splice site analysis predicts that this alteration may result in the creation or strengthening of a novel splice acceptor site. The evidence for this gene-disease relationship is limited; therefore, the clinical significance of this alteration is unclear.

NM_001365951.3(KIF1B):c.3174G>A (p.Leu1058=)

Gene: KIF1B (kinesin family member 1B; plus strand). Cytogenetic location: 1p36.22.
Variant type: single nucleotide variant.
Coding change: c.3174G>A on transcript NM_001365951.3 (MANE Select); coding-DNA position 3174, G replaced by A.
Protein change: p.Leu1058=; no amino-acid change (leucine 1058 retained).
Molecular consequence: synonymous variant.
Genome position (GRCh38, 1-based): chr1:10,337,118, G>A. VCF-style: chr1-10337118-G-A. GRCh37 (hg19) VCF-style: chr1-10397176-G-A.
Other names: c.3174G>A, p.Leu1058= (NM_001365952.1); c.3036G>A, p.Leu1012= (NM_015074.3).
Identifiers: ClinVar variation 3288463 (VCV003288463.1).